The following is an entry in ClinVar:

NM_000256.3(MYBPC3):c.11C>T (p.Pro4Leu)

Gene: MYBPC3 (myosin binding protein C3; minus strand). Cytogenetic location: 11p11.2.
Variant type: single nucleotide variant.
Coding change: c.11C>T on transcript NM_000256.3 (MANE Select); coding-DNA position 11, C replaced by T.
Protein change: p.Pro4Leu; replaces proline 4 with leucine.
Molecular consequence: missense variant.
Genome position (GRCh38, 1-based): chr11:47,352,637, G>A on the plus strand (C>T on the coding strand, the complement: MYBPC3 is on the minus strand). VCF-style: chr11-47352637-G-A. GRCh37 (hg19) VCF-style: chr11-47374188-G-A.
Other names: p.Pro4Leu; c.11C>T, p.Pro4Leu (LRG_386t1); short protein forms P4L.
Identifiers: ClinVar variation 629736 (VCV000629736.26), dbSNP rs748689012, ClinGen allele CA043117.

ClinVar aggregate classification (germline): Uncertain significance. Review status: criteria provided, multiple submitters, no conflicts (2 of 4 stars). 9 submissions from 9 submitters: Uncertain significance (9). Last evaluated 2025-04-15.

Conditions:
Cardiovascular phenotype. Identifiers: MedGen CN230736.
Left ventricular noncompaction 10 (LVNC10). Identifiers: Orphanet 154, Orphanet 54260, MedGen C3715165, MONDO:0014163, OMIM 615396.
Hypertrophic cardiomyopathy 4. Also called: Familial hypertrophic cardiomyopathy 4. Identifiers: MedGen C1861862, MONDO:0007268, OMIM 115197.
Cardiomyopathy (CMYO). Also called: Cardiomyopathies. Identifiers: Orphanet 167848, MedGen C0878544, MONDO:0004994, HP:0001638. Inheritance: Various modes of inheritance.
MYBPC3-related disorder. Also called: MYBPC3-related condition; MYBPC3-related disease; MYBPC3-related disorders.
Hypertrophic cardiomyopathy. Also called: HYPERTROPHIC MYOCARDIOPATHY. Identifiers: Orphanet 217569, MedGen C0007194, MeSH D002312, MONDO:0005045, HP:0001639.

Allele frequency attached by ClinVar (database versions not stated): TOPMed below 0.00001; gnomAD 0.00001; ExAC 0.00003; gnomAD exomes 0.00003.
gnomAD v4.1: 33 of 1,594,716 alleles (0.0021%); highest among the groups gnomAD compares: Middle Eastern, 0.017%; no homozygotes.

Submissions (9):

PreventionGenetics, part of Exact Sciences
Classification: Uncertain significance for MYBPC3-related condition. Last evaluated: 2025-04-15. Review status: criteria provided, single submitter. Criteria: ACMG Guidelines, 2015. Collection method: clinical testing. Allele origin: germline.
Comment: The MYBPC3 c.11C>T variant is predicted to result in the amino acid substitution p.Pro4Leu. To our knowledge, this variant has not been reported in the literature. This variant is reported in 0.0069% of alleles in individuals of South Asian descent in gnomAD. At this time, the clinical significance of this variant is uncertain due to the absence of conclusive functional and genetic evidence.

Ambry Genetics
Classification: Uncertain significance for Cardiovascular phenotype. Last evaluated: 2024-10-17. Review status: criteria provided, single submitter. Criteria: Ambry Variant Classification Scheme 2023. Collection method: clinical testing. Allele origin: germline.
Comment: The p.P4L variant (also known as c.11C>T), located in coding exon 1 of the MYBPC3 gene, results from a C to T substitution at nucleotide position 11. The proline at codon 4 is replaced by leucine, an amino acid with similar properties. This amino acid position is well conserved in available vertebrate species. In addition, this alteration is predicted to be tolerated by in silico analysis. Based on the available evidence, the clinical significance of this variant remains unclear.

Labcorp Genetics (formerly Invitae), Labcorp
Classification: Uncertain significance for Hypertrophic cardiomyopathy. Last evaluated: 2024-09-27. Review status: criteria provided, single submitter. Criteria: Invitae Variant Classification Sherloc (09022015). Collection method: clinical testing. Allele origin: germline.
Comment: This sequence change replaces proline, which is neutral and non-polar, with leucine, which is neutral and non-polar, at codon 4 of the MYBPC3 protein (p.Pro4Leu). This variant is present in population databases (rs748689012, gnomAD 0.007%). This variant has not been reported in the literature in individuals affected with MYBPC3-related conditions. ClinVar contains an entry for this variant (Variation ID: 629736). An algorithm developed to predict the effect of missense changes on protein structure and function outputs the following: PolyPhen-2: "Possibly Damaging". The leucine amino acid residue is found in multiple mammalian species, which suggests that this missense change does not adversely affect protein function. In summary, the available evidence is currently insufficient to determine the role of this variant in disease. Therefore, it has been classified as a Variant of Uncertain Significance.

All of Us Research Program, National Institutes of Health
Classification: Uncertain significance for Hypertrophic cardiomyopathy. Last evaluated: 2024-09-06. Review status: criteria provided, single submitter. Criteria: ACMG Guidelines, 2015. Collection method: clinical testing. Allele origin: germline. Inheritance: Autosomal dominant inheritance. Observed: 6 variant alleles, 6 heterozygotes.
Comment: This missense variant replaces proline with leucine at codon 4 of the MYBPC3 protein. Computational prediction suggests that this variant may not impact protein structure and function (internally defined REVEL score threshold <= 0.5, PMID: 27666373). To our knowledge, functional studies have not been reported for this variant. This variant has not been reported in individuals affected with cardiovascular disorders in the literature. This variant has been identified in 7/261936 chromosomes in the general population by the Genome Aggregation Database (gnomAD). The available evidence is insufficient to determine the role of this variant in disease conclusively. Therefore, this variant is classified as a Variant of Uncertain Significance.

This study involves interpretation of variants in research participants for the purpose of population health screening. Participant phenotype was not available at the time of variant classification. Additional details can be found in publication PMID: 35346344, PMCID: PMC8962531

Color Diagnostics, LLC DBA Color Health
Classification: Uncertain significance for Cardiomyopathy. Last evaluated: 2024-08-13. Review status: criteria provided, single submitter. Criteria: ACMG Guidelines, 2015. Collection method: clinical testing. Allele origin: germline.
Comment: This missense variant replaces proline with leucine at codon 4 of the MYBPC3 protein. Computational prediction tools indicate that this variant has a neutral impact on protein structure and function. To our knowledge, functional studies have not been reported for this variant. This variant has not been reported in individuals affected with MYBPC3-related disorders in the literature. This variant has been identified in 7/261936 chromosomes in the general population by the Genome Aggregation Database (gnomAD). The available evidence is insufficient to determine the role of this variant in disease conclusively. Therefore, this variant is classified as a Variant of Uncertain Significance.

Blueprint Genetics
Classification: Uncertain significance. Last evaluated: 2024-06-28. Review status: criteria provided, single submitter. Criteria: ACMG Guidelines, 2015. Collection method: clinical testing. Allele origin: germline.

GeneDx
Classification: Uncertain significance. Last evaluated: 2023-03-30. Review status: criteria provided, single submitter. Criteria: GeneDx Variant Classification Process June 2021. Collection method: clinical testing. Allele origin: germline. Affected: yes.
Comment: In silico analysis supports that this missense variant has a deleterious effect on protein structure/function; Has not been previously published as pathogenic or benign to our knowledge

Fulgent Genetics
Classification: Uncertain significance for Hypertrophic cardiomyopathy 4; Left ventricular noncompaction 10. Last evaluated: 2021-08-06. Review status: criteria provided, single submitter. Criteria: ACMG Guidelines, 2015. Collection method: clinical testing. Allele origin: unknown.

Mayo Clinic Laboratories, Mayo Clinic
Classification: Uncertain significance. Last evaluated: 2021-07-09. Review status: criteria provided, single submitter. Criteria: ACMG Guidelines, 2015. Collection method: clinical testing. Allele origin: germline.